The following is an entry in ClinVar:

NM_001875.5(CPS1):c.891C>A (p.Asn297Lys)

Gene: CPS1 (carbamoyl-phosphate synthase 1; plus strand). Cytogenetic location: 2q34.
Variant type: single nucleotide variant.
Coding change: c.891C>A on transcript NM_001875.5 (MANE Select); coding-DNA position 891, C replaced by A.
Protein change: p.Asn297Lys; replaces asparagine 297 with lysine.
Molecular consequence: missense variant. On other transcripts: non-coding transcript variant (1).
Genome position (GRCh38, 1-based): chr2:210,590,850, C>A. VCF-style: chr2-210590850-C-A. GRCh37 (hg19) VCF-style: chr2-211455574-C-A.
Other names: c.891C>A, p.Asn297Lys (NM_001122633.3, NM_001369257.1); c.924C>A, p.Asn308Lys (NM_001369256.1); short protein forms N297K, N308K.
Identifiers: ClinVar variation 962437 (VCV000962437.9), dbSNP rs1698268978, ClinGen allele CA350430248.

ClinVar aggregate classification (germline): Uncertain significance (1 of 4 stars; one submission).

Conditions:
Congenital hyperammonemia, type I. Also called: CPS I DEFICIENCY; Carbamoyl-phosphate synthase I deficiency; Carbamoyl phosphate synthetase 1 deficiency; Hyperammonemia due to carbamoyl phosphate synthetase 1 deficiency; CPS 1 deficiency; Carbamyl phosphate synthetase (CPS) deficiency. Identifiers: Orphanet 147, MedGen C4082171, MONDO:0009376, OMIM 237300.

Submission:

Labcorp Genetics (formerly Invitae), Labcorp
Classification: Uncertain significance for Congenital hyperammonemia, type I. Last evaluated: 2019-07-18. Review status: criteria provided, single submitter. Criteria: Invitae Variant Classification Sherloc (09022015). Collection method: clinical testing. Allele origin: germline.
Comment: In summary, the available evidence is currently insufficient to determine the role of this variant in disease. Therefore, it has been classified as a Variant of Uncertain Significance. Algorithms developed to predict the effect of missense changes on protein structure and function are either unavailable or do not agree on the potential impact of this missense change (SIFT: "Deleterious"; PolyPhen-2: "Possibly Damaging"; Align-GVGD: "Class C0"). This variant has not been reported in the literature in individuals with CPS1-related conditions. This variant is not present in population databases (ExAC no frequency). This sequence change replaces asparagine with lysine at codon 297 of the CPS1 protein (p.Asn297Lys). The asparagine residue is moderately conserved and there is a moderate physicochemical difference between asparagine and lysine.